The following is an entry in ClinVar:

ClinVar aggregate classification (germline): Likely benign. Review status: criteria provided, multiple submitters, no conflicts (2 of 4 stars). 3 submissions from 3 submitters: Likely benign (3). Last evaluated 2025-10-02.

Conditions:
Atypical hemolytic-uremic syndrome. Identifiers: Orphanet 2134, MedGen C2931788, MONDO:0016244.

Allele frequency attached by ClinVar (database versions not stated): TOPMed 0.00004; gnomAD 0.00010; ExAC 0.00013; 1000 Genomes Project 30x 0.00016; gnomAD exomes 0.00018; 1000 Genomes Project 0.00020.
gnomAD v4.1: 271 of 1,613,800 alleles (0.017%); highest among the groups gnomAD compares: East Asian, 0.6%; 1 homozygote.

Submissions (3):

Genomenon, Inc
Classification: Likely benign for Atypical hemolytic-uremic syndrome. Last evaluated: 2025-10-02. Review status: criteria provided, single submitter. Criteria: Genomenon Sequence Variant Interpretation Standards - Updated. Collection method: curation. Allele origin: germline. Affected: yes.
Comment: CFH p.His980= (c.2940C>T) is a synonymous variant that retains Histidine at residue 980. This variant has been observed in at least one proband affected with atypical hemolytic uremic syndrome (PMID 21868097). This variant’s allele frequency in gnomAD is greater than expected for this disorder. In conclusion, we classify CFH p.His980= (c.2940C>T) as a likely benign variant.

Labcorp Genetics (formerly Invitae), Labcorp
Classification: Likely benign. Last evaluated: 2025-03-22. Review status: criteria provided, single submitter. Criteria: Invitae Variant Classification Sherloc (09022015). Collection method: clinical testing. Allele origin: germline.

Blueprint Genetics
Classification: Likely benign. Last evaluated: 2022-12-16. Review status: criteria provided, single submitter. Criteria: ACMG Guidelines, 2015. Collection method: clinical testing. Allele origin: germline.

Literature cited by the submitters: PubMed 21868097 (cited by Genomenon, Inc).

NM_000186.4(CFH):c.2940C>T (p.His980=)

Gene: CFH (complement factor H; plus strand). Cytogenetic location: 1q31.3.
Variant type: single nucleotide variant.
Coding change: c.2940C>T on transcript NM_000186.4 (MANE Select); coding-DNA position 2940, C replaced by T.
Protein change: p.His980=; no amino-acid change (histidine 980 retained).
Molecular consequence: synonymous variant.
Genome position (GRCh38, 1-based): chr1:196,740,776, C>T. VCF-style: chr1-196740776-C-T. GRCh37 (hg19) VCF-style: chr1-196709906-C-T.
Identifiers: ClinVar variation 1903029 (VCV001903029.7), dbSNP rs79934209, ClinGen allele CA1305778.